The following is an entry in ClinVar:

ClinVar aggregate classification (germline): Uncertain significance. Review status: criteria provided, multiple submitters, no conflicts (2 of 4 stars). 2 submissions from 2 submitters: Uncertain significance (2). Last evaluated 2023-08-30.

Conditions:
Hereditary cancer-predisposing syndrome. Also called: Neoplastic Syndromes, Hereditary; Tumor predisposition; Hereditary Cancer Syndrome; Hereditary neoplastic syndrome. Identifiers: Orphanet 140162, MedGen C0027672, MeSH D009386, MONDO:0015356.
Mitochondrial complex II deficiency, nuclear type 1. Also called: SUCCINATE CoQ REDUCTASE DEFICIENCY. Identifiers: Orphanet 3208, MedGen C5700310, MONDO:0100294, OMIM 252011.
Pheochromocytoma/paraganglioma syndrome 5. Also called: Paragangliomas 5; SDHA-Related Hereditary Paraganglioma-Pheochromocytoma Syndrome. Identifiers: Orphanet 29072, MedGen C3279992, MONDO:0013602, OMIM 614165.

Submissions (2):

Ambry Genetics
Classification: Uncertain significance for Hereditary cancer-predisposing syndrome. Last evaluated: 2023-08-30. Review status: criteria provided, single submitter. Criteria: Ambry Variant Classification Scheme 2023. Collection method: clinical testing. Allele origin: germline.
Comment: The p.G392S variant (also known as c.1174G>A), located in coding exon 9 of the SDHA gene, results from a G to A substitution at nucleotide position 1174. The glycine at codon 392 is replaced by serine, an amino acid with similar properties. This amino acid position is conserved. In addition, this alteration is predicted to be deleterious by in silico analysis. Since supporting evidence is limited at this time, the clinical significance of this alteration remains unclear.

Labcorp Genetics (formerly Invitae), Labcorp
Classification: Uncertain significance for Pheochromocytoma/paraganglioma syndrome 5; Mitochondrial complex II deficiency, nuclear type 1. Last evaluated: 2023-01-19. Review status: criteria provided, single submitter. Criteria: Invitae Variant Classification Sherloc (09022015). Collection method: clinical testing. Allele origin: germline.
Comment: Advanced modeling of protein sequence and biophysical properties (such as structural, functional, and spatial information, amino acid conservation, physicochemical variation, residue mobility, and thermodynamic stability) performed at Invitae indicates that this missense variant is not expected to disrupt SDHA protein function. In summary, the available evidence is currently insufficient to determine the role of this variant in disease. Therefore, it has been classified as a Variant of Uncertain Significance. This variant has not been reported in the literature in individuals affected with SDHA-related conditions. This variant is not present in population databases (gnomAD no frequency). This sequence change replaces glycine, which is neutral and non-polar, with serine, which is neutral and polar, at codon 392 of the SDHA protein (p.Gly392Ser).

NM_004168.4(SDHA):c.1174G>A (p.Gly392Ser)

Gene: SDHA (succinate dehydrogenase complex flavoprotein subunit A; plus strand). Cytogenetic location: 5p15.33.
Variant type: single nucleotide variant.
Coding change: c.1174G>A on transcript NM_004168.4 (MANE Select); coding-DNA position 1174, G replaced by A.
Protein change: p.Gly392Ser; replaces glycine 392 with serine.
Molecular consequence: missense variant.
Genome position (GRCh38, 1-based): chr5:235,253, G>A. VCF-style: chr5-235253-G-A. GRCh37 (hg19) VCF-style: chr5-235368-G-A.
Other names: c.1030G>A, p.Gly344Ser (NM_001294332.2); c.1174G>A, p.Gly392Ser (NM_001330758.2); short protein forms G344S, G392S.
Identifiers: ClinVar variation 2587085 (VCV002587085.5), dbSNP rs2126585046, ClinGen allele CA359013603.